The following is an entry in ClinVar:

NM_006231.4(POLE):c.2350G>C (p.Glu784Gln)

Gene: POLE (DNA polymerase epsilon, catalytic subunit; minus strand). Cytogenetic location: 12q24.33.
Variant type: single nucleotide variant.
Coding change: c.2350G>C on transcript NM_006231.4 (MANE Select); coding-DNA position 2350, G replaced by C.
Protein change: p.Glu784Gln; replaces glutamic acid 784 with glutamine.
Molecular consequence: missense variant.
Genome position (GRCh38, 1-based): chr12:132,665,420, C>G on the plus strand (G>C on the coding strand, the complement: POLE is on the minus strand). VCF-style: chr12-132665420-C-G. GRCh37 (hg19) VCF-style: chr12-133242006-C-G.
Other names: short protein forms E784Q.
Identifiers: ClinVar variation 4671500 (VCV004671500.1).

ClinVar aggregate classification (germline): Uncertain significance (1 of 4 stars; one submission).

Conditions:
Hereditary cancer-predisposing syndrome. Also called: Neoplastic Syndromes, Hereditary; Tumor predisposition; Hereditary Cancer Syndrome; Hereditary neoplastic syndrome. Identifiers: Orphanet 140162, MedGen C0027672, MeSH D009386, MONDO:0015356.

Submission:

Ambry Genetics
Classification: Uncertain significance for Hereditary cancer-predisposing syndrome. Last evaluated: 2025-09-19. Review status: criteria provided, single submitter. Criteria: Ambry Variant Classification Scheme 2023. Collection method: clinical testing. Allele origin: germline.
Comment: The p.E784Q variant (also known as c.2350G>C), located in coding exon 21 of the POLE gene, results from a G to C substitution at nucleotide position 2350. The glutamic acid at codon 784 is replaced by glutamine, an amino acid with highly similar properties. This amino acid position is conserved. In addition, this alteration is predicted to be tolerated by in silico analysis. Based on the available evidence, the clinical significance of this variant remains unclear.